The following is an entry in ClinVar:

ClinVar aggregate classification (germline): Pathogenic (1 of 4 stars; one submission).

Conditions:
Osteogenesis imperfecta type I (OI1). Also called: Classic Non-deforming Osteogenesis Imperfecta with Blue Sclerae; Lobstein's Disease; Lobstein disease; OI, TYPE I; OSTEOGENESIS IMPERFECTA TARDA; OSTEOGENESIS IMPERFECTA WITH BLUE SCLERAE. Identifiers: Orphanet 216796, Orphanet 666, MedGen C0023931, MONDO:0008146, OMIM 166200. Disease mechanism: loss of function.

Submission:

Labcorp Genetics (formerly Invitae), Labcorp
Classification: Pathogenic for Osteogenesis imperfecta type I. Last evaluated: 2024-02-24. Review status: criteria provided, single submitter. Criteria: Invitae Variant Classification Sherloc (09022015). Collection method: clinical testing. Allele origin: germline.
Comment: This sequence change creates a premature translational stop signal (p.Gly1004Trpfs*8) in the COL1A1 gene. It is expected to result in an absent or disrupted protein product. Loss-of-function variants in COL1A1 are known to be pathogenic (PMID: 7942841, 9295084, 9443882). This variant is not present in population databases (gnomAD no frequency). This premature translational stop signal has been observed in individual(s) with osteogenesis imperfecta (PMID: 23529829, 30886339). ClinVar contains an entry for this variant (Variation ID: 1430948). For these reasons, this variant has been classified as Pathogenic.

Literature cited by the submitters: PubMed 7942841; PubMed 9295084; PubMed 9443882; PubMed 23529829; PubMed 30886339.

NM_000088.4(COL1A1):c.3008dup (p.Gly1004fs)

Gene: COL1A1 (collagen type I alpha 1 chain; minus strand). Cytogenetic location: 17q21.33.
Variant type: Duplication.
Coding change: c.3008dup on transcript NM_000088.4 (MANE Select); coding-DNA position 3008, one base duplicated (C; older notation c.3008dupC).
Protein change: p.Gly1004fs; shifts the reading frame from glycine 1004.
Molecular consequence: frameshift variant.
Genome position (GRCh38, 1-based): chr17:50,188,940, G duplicated on the plus strand (C on the coding strand, the reverse complement: COL1A1 is on the minus strand); the first of 6 consecutive G bases (chr17:50,188,940-50,188,945); duplicating any one gives the same sequence. VCF-style (leftmost placement, unchanged base first): chr17-50188939-A-AG. GRCh37 (hg19) VCF-style: chr17-48266300-A-AG.
Other names: short protein forms G1004fs.
Identifiers: ClinVar variation 1430948 (VCV001430948.8), dbSNP rs72653168, ClinGen allele CA2573154207.